The following is an entry in ClinVar:

ClinVar aggregate classification (germline): Conflicting classifications of pathogenicity. Review status: criteria provided, conflicting classifications (1 of 4 stars). 10 submissions from 10 submitters: Pathogenic (1); Likely pathogenic (3); Uncertain significance (4). 2 of the submissions do not count toward it. Last evaluated 2025-10-15.

Conditions:
Tooth agenesis, selective, 10 (STHAG10). Identifiers: MedGen C5774277, MONDO:0859339, OMIM 620173.
Ectodermal dysplasia 14, hair/tooth type with or without hypohidrosis. Identifiers: Orphanet 685067, MedGen C4748560, MONDO:0032584, OMIM 618180.
Autosomal recessive nonsyndromic hearing loss 98. Also called: Deafness, autosomal recessive 98. Identifiers: Orphanet 90636, MedGen C3553932, MONDO:0013929, OMIM 614861.
TSPEAR-related disorder. Also called: TSPEAR-related condition.

Allele frequency attached by ClinVar (database versions not stated): ESP Exome Variant Server 0.00008; gnomAD exomes 0.00008 and 0.00014; gnomAD 0.00011 and 0.00013; ExAC 0.00012; TOPMed 0.00014.

Submissions (10):

Labcorp Genetics (formerly Invitae), Labcorp
Classification: Pathogenic. Last evaluated: 2025-10-15. Review status: criteria provided, single submitter. Criteria: Invitae Variant Classification Sherloc (09022015). Collection method: clinical testing. Allele origin: germline.
Comment: This sequence change replaces phenylalanine, which is neutral and non-polar, with serine, which is neutral and polar, at codon 626 of the TSPEAR protein (p.Phe626Ser). This variant is present in population databases (rs369010851, gnomAD 0.2%). This missense change has been observed in individual(s) with clinical features of TSPEAR-related conditions and/or non-syndromic tooth agenesis (PMID: 30046887; internal data). In at least one individual the data is consistent with being in trans (on the opposite chromosome) from a pathogenic variant. It has also been observed to segregate with disease in related individuals. ClinVar contains an entry for this variant (Variation ID: 1197259). Invitae Evidence Modeling of protein sequence and biophysical properties (such as structural, functional, and spatial information, amino acid conservation, physicochemical variation, residue mobility, and thermodynamic stability) indicates that this missense variant is expected to disrupt TSPEAR protein function with a positive predictive value of 80%. For these reasons, this variant has been classified as Pathogenic.

Medical Genetics, Meyer Children Hospital
Classification: Uncertain significance for Ectodermal dysplasia 14, hair/tooth type with or without hypohidrosis; Autosomal recessive nonsyndromic hearing loss 98; Tooth agenesis, selective, 10. Last evaluated: 2025-08-04. Review status: criteria provided, single submitter. Criteria: ACMG Guidelines, 2015. Collection method: clinical testing. Allele origin: maternal. Affected: yes.
Comment: PM2, PP5, PP3, BP1

GeneDx
Classification: Likely pathogenic. Last evaluated: 2025-06-12. Review status: criteria provided, single submitter. Criteria: GeneDx Variant Classification Process June 2021. Collection method: clinical testing. Allele origin: germline. Affected: yes.
Comment: In silico analysis supports that this missense variant has a deleterious effect on protein structure/function; This variant is associated with the following publications: (PMID: 34042254, 34426522, 32112661, 37525042, Akalin2025[CaseReport], 30046887)

First Genomix Gene Laboratory, Genetic Diagnostics Department
Classification: Likely pathogenic for Autosomal recessive nonsyndromic hearing loss 98; Ectodermal dysplasia 14, hair/tooth type with or without hypohidrosis; Tooth agenesis, selective, 10. Last evaluated: 2025-03-14. Review status: criteria provided, single submitter. Criteria: ACMG Guidelines, 2015. Collection method: clinical testing. Allele origin: germline. Inheritance: Autosomal recessive inheritance. Affected: no. Observed: 1 variant allele.

3billion
Classification: Likely pathogenic for Ectodermal dysplasia 14, hair/tooth type with or without hypohidrosis. Last evaluated: 2024-07-11. Review status: criteria provided, single submitter. Criteria: ACMG Guidelines, 2015. Collection method: clinical testing. Allele origin: germline. Affected: yes.
Comment: The variant is observed at an extremely low frequency in the gnomAD v4.0.0 dataset (total allele frequency: 0.009%). Predicted Consequence/Location: The majority of the known disease-causing variants of this gene are variants expected to result in premature termination of the protein. In silico tool predictions suggest damaging effect of the variant on gene or gene product [REVEL: 0.69 (>=0.6, sensitivity 0.68 and specificity 0.92); 3Cnet: 0.62 (>=0.6, sensitivity 0.72 and precision 0.9)]. The same nucleotide change resulting in the same amino acid change has been previously reported as pathogenic/likely pathogenic with strong evidence (ClinVar ID: VCV001197259 /PMID: 30046887). Therefore, this variant is classified as Likely pathogenic according to the recommendation of ACMG/AMP guideline.

Blueprint Genetics
Classification: Uncertain significance. Last evaluated: 2024-04-29. Review status: criteria provided, single submitter. Criteria: ACMG Guidelines, 2015. Collection method: clinical testing. Allele origin: germline.

Department of Pathology and Laboratory Medicine, Sinai Health System
Classification: Uncertain significance for Ectodermal dysplasia 14, hair/tooth type with or without hypohidrosis; Tooth agenesis, selective, 10; Autosomal recessive nonsyndromic hearing loss 98. Last evaluated: 2023-03-12. Review status: criteria provided, single submitter. Criteria: ACMG Guidelines, 2015. Collection method: research. Allele origin: germline.

Pittsburgh Clinical Genomics Laboratory, University of Pittsburgh Medical Center
Classification: Uncertain significance for Ectodermal dysplasia 14, hair/tooth type with or without hypohidrosis. Last evaluated: 2022-05-13. Review status: criteria provided, single submitter. Criteria: ACMG Guidelines, 2015. Collection method: clinical testing. Allele origin: germline. Inheritance: Autosomal recessive inheritance. Affected: yes.
Comment: This sequence variant is a single nucleotide substitution (T>C) at coding position 1877 of the TSPEAR gene that results in a phenylalanine to serine amino acid change at residue 626 of the TSPEAR protein. This is a previously reported variant (ClinVar) that has been observed in the literature in a family affected by oligodontia (PMID: 30046887). This variant is present in control population datasets (gnomAD database, 37/264134 alleles or 0.01%). Multiple bioinformatic tools predict that this variant would be damaging, and the Phe626 residue is highly conserved across the vertebrate species examined. Functiol studies examining the effect of this variant on protein structure or activity have not been performed, to our knowledge. At this time, there is insufficient evidence to determine if this variant is pathogenic or benign. Therefore, we consider this to be a variant of uncertain significance. ACMG Criteria: PM2, PP3

PreventionGenetics, part of Exact Sciences
Classification: Uncertain significance for TSPEAR-related condition. Last evaluated: 2023-10-24. Review status: no assertion criteria provided. Collection method: clinical testing. Allele origin: germline. Not counted in ClinVar's aggregate classification.
Comment: The TSPEAR c.1877T>C variant is predicted to result in the amino acid substitution p.Phe626Ser. This variant was reported in the homozygous state in two siblings with oligodontia; however, it was also found in the heterozygous state in their similarly affected father (Du et al. 2018. PubMed ID: 30046887). This variant is reported in 0.17% of alleles in individuals of Ashkenazi Jewish descent in gnomAD. Although we suspect that this variant may be pathogenic, at this time, the clinical significance of this variant is uncertain due to the absence of conclusive functional and genetic evidence.

OMIM
Classification: Pathogenic for TOOTH AGENESIS, SELECTIVE, 10. Last evaluated: 2022-12-20. Review status: no assertion criteria provided. Collection method: literature only. Allele origin: germline. Not counted in ClinVar's aggregate classification.

Literature cited by the submitters: PubMed 30046887 (cited by 4 submitters).

NM_144991.3(TSPEAR):c.1877T>C (p.Phe626Ser)

Gene: TSPEAR (thrombospondin type laminin G domain and EAR repeats; minus strand). Cytogenetic location: 21q22.3.
Variant type: single nucleotide variant.
Coding change: c.1877T>C on transcript NM_144991.3 (MANE Select); coding-DNA position 1877, T replaced by C.
Protein change: p.Phe626Ser; replaces phenylalanine 626 with serine.
Molecular consequence: missense variant.
Genome position (GRCh38, 1-based): chr21:44,499,916, A>G on the plus strand (T>C on the coding strand, the complement: TSPEAR is on the minus strand). VCF-style: chr21-44499916-A-G. GRCh37 (hg19) VCF-style: chr21-45919799-A-G.
Other names: TSPEAR, PHE626SER (rs369010851); c.1673T>C, p.Phe558Ser (NM_001272037.2); short protein forms F558S, F626S.
Identifiers: ClinVar variation 1197259 (VCV001197259.17), dbSNP rs369010851, ClinGen allele CA10056275.